The following is an entry in ClinVar:

NM_014915.3(ANKRD26):c.476T>C (p.Ile159Thr)

Gene: ANKRD26 (ankyrin repeat domain 26; minus strand). Cytogenetic location: 10p12.1.
Variant type: single nucleotide variant.
Coding change: c.476T>C on transcript NM_014915.3 (MANE Select); coding-DNA position 476, T replaced by C.
Protein change: p.Ile159Thr; replaces isoleucine 159 with threonine.
Molecular consequence: missense variant.
Genome position (GRCh38, 1-based): chr10:27,093,404, A>G on the plus strand (T>C on the coding strand, the complement: ANKRD26 is on the minus strand). VCF-style: chr10-27093404-A-G. GRCh37 (hg19) VCF-style: chr10-27382333-A-G.
Other names: c.476T>C, p.Ile159Thr (NM_001256053.2); short protein forms I159T.
Identifiers: ClinVar variation 2749038 (VCV002749038.4), dbSNP rs2056362824, ClinGen allele CA376367850.

ClinVar aggregate classification (germline): Uncertain significance. Review status: criteria provided, multiple submitters, no conflicts (2 of 4 stars). 2 submissions from 2 submitters: Uncertain significance (2). Last evaluated 2025-04-11.

Conditions:
Inborn genetic diseases. Identifiers: MedGen C0950123, MeSH D030342.

Submissions (2):

Ambry Genetics
Classification: Uncertain significance for Inborn genetic diseases. Last evaluated: 2025-04-11. Review status: criteria provided, single submitter. Criteria: Ambry Variant Classification Scheme 2023. Collection method: clinical testing. Allele origin: germline.
Comment: The p.I159T variant (also known as c.476T>C), located in coding exon 3 of the ANKRD26 gene, results from a T to C substitution at nucleotide position 476. The isoleucine at codon 159 is replaced by threonine, an amino acid with similar properties. This amino acid position is conserved. In addition, this alteration is predicted to be tolerated by in silico analysis. Based on the available evidence, the clinical significance of this variant remains unclear.

Labcorp Genetics (formerly Invitae), Labcorp
Classification: Uncertain significance. Last evaluated: 2023-08-01. Review status: criteria provided, single submitter. Criteria: Invitae Variant Classification Sherloc (09022015). Collection method: clinical testing. Allele origin: germline.
Comment: This variant is not present in population databases (gnomAD no frequency). This variant has not been reported in the literature in individuals affected with ANKRD26-related conditions. This sequence change replaces isoleucine, which is neutral and non-polar, with threonine, which is neutral and polar, at codon 159 of the ANKRD26 protein (p.Ile159Thr). In summary, the available evidence is currently insufficient to determine the role of this variant in disease. Therefore, it has been classified as a Variant of Uncertain Significance. Algorithms developed to predict the effect of missense changes on protein structure and function output the following: SIFT: "Not Available"; PolyPhen-2: "Benign"; Align-GVGD: "Not Available". The threonine amino acid residue is found in multiple mammalian species, which suggests that this missense change does not adversely affect protein function.